The following is an entry in ClinVar:

NC_000024.9:g.(?_2654792)_(2655895_?)dup

Gene: SRY (sex determining region Y; minus strand). Cytogenetic location: Yp11.31.
Variant type: Duplication.
Identifiers: ClinVar variation 2424632 (VCV002424632.3).

ClinVar aggregate classification (germline): Uncertain significance (1 of 4 stars; one submission).

Conditions:
46,XY sex reversal 1. Also called: SRY-related 46,XY complete gonadal dysgenesis; 46,XY SEX REVERSAL, SRY-RELATED. Identifiers: Orphanet 242, MedGen C2748896, MONDO:0020712, OMIM 400044.

Submission:

Labcorp Genetics (formerly Invitae), Labcorp
Classification: Uncertain significance for 46,XY sex reversal 1. Last evaluated: 2022-01-27. Review status: criteria provided, single submitter. Criteria: Invitae Variant Classification Sherloc (09022015). Collection method: clinical testing. Allele origin: germline.
Comment: A copy number gain of the genomic region encompassing the full coding sequence of the SRY gene has been identified. The boundaries of this event are unknown as they extend beyond the assayed region for this gene and therefore may encompass additional genes. As the precise location of this event is unknown, it may be in tandem or it may be located elsewhere in the genome. A similar copy number variant has been observed in individual(s) with 46,XY disorders of sex development (PMID: 16510537). In summary, the available evidence is currently insufficient to determine the role of this variant in disease. Therefore, it has been classified as a Variant of Uncertain Significance.

Literature cited by the submitters: PubMed 16510537.